The following is an entry in ClinVar:

ClinVar aggregate classification (germline): Conflicting classifications of pathogenicity. Review status: criteria provided, conflicting classifications (1 of 4 stars). 2 submissions from 2 submitters: Likely pathogenic (1); Uncertain significance (1). Last evaluated 2025-04-09.

Conditions:
Dilated cardiomyopathy 1G (CMD1G). Identifiers: Orphanet 154, MedGen C1858763, MONDO:0011400, OMIM 604145.
Autosomal recessive limb-girdle muscular dystrophy type 2J (LGMDR10). Also called: Limb-girdle muscular dystrophy, type 2J; MUSCULAR DYSTROPHY, LIMB-GIRDLE, AUTOSOMAL RECESSIVE 10. Identifiers: Orphanet 140922, MedGen C1837342, MONDO:0012127, OMIM 608807.
Tip-toe gait. Also called: Toe walking. Identifiers: MedGen C0427144, HP:0030051.

Allele frequency attached by ClinVar (database versions not stated): gnomAD exomes below 0.00001.

Submissions (2):

Labcorp Genetics (formerly Invitae), Labcorp
Classification: Uncertain significance for Dilated cardiomyopathy 1G; Autosomal recessive limb-girdle muscular dystrophy type 2J. Last evaluated: 2025-04-09. Review status: criteria provided, single submitter. Criteria: Invitae Variant Classification Sherloc (09022015). Collection method: clinical testing. Allele origin: germline.
Comment: This sequence change falls in intron 315 of the TTN gene. It does not directly change the encoded amino acid sequence of the TTN protein. It affects a nucleotide within the consensus splice site. This variant is present in population databases (no rsID available, gnomAD 0.0009%). This variant has been observed in individual(s) with TTN-related conditions (internal data). ClinVar contains an entry for this variant (Variation ID: 1016946). Variants that disrupt the consensus splice site are a relatively common cause of aberrant splicing (PMID: 17576681, 9536098). Algorithms developed to predict the effect of sequence changes on RNA splicing suggest that this variant may disrupt the consensus splice site. This variant is located in the A band of TTN (PMID: 25589632). Variants in this region may be relevant for cardiac or neuromuscular disorders (PMID: 25589632, 23975875). In summary, the available evidence is currently insufficient to determine the role of this variant in disease. Therefore, it has been classified as a Variant of Uncertain Significance.

Practice for Gait Abnormalities, David Pomarino, Competency Network Toe Walking C/o Practice Pomarino
Classification: Likely pathogenic for Tip-toe gait. Last evaluated: 2021-05-25. Review status: criteria provided, single submitter. Criteria: ACMG Guidelines, 2015. Collection method: clinical testing. Allele origin: unknown. Affected: yes.
Comment: The heterozygous splice variant c.66463 + 2dupT was detected in the TTN gene, which is found in the literature and the Gene databases dbSNP, ClinVar or HGMD has not yet been reported. According to the calculations of the splice site prediction program varSEAK, the duplication of a T nucleotide leads with a high probability ("risk class 5", highest risk score) to the loss of the 5'-donor-splice-site-motif. Similar gene changes in the TTN gene were described in the HGMD database in patients with muscular dystrophy or restrictive cardiomyopathy [O'Grady (2016) Ann Neurol 80, 101; KÃ¼hnisch (2019) Clin Genet 96, 549]. Myopathy refers to diseases that affect skeletal Muscles. These diseases attack muscle fibers, making muscles weak. Inherited myopathies are often caused by inheriting an abnormal gene mutation from a parent that causes the disease. Symptoms of congenital myopathies usually start at birth or in early childhood, but may not appear until the teen years or even later in adulthood. Congenital myopathies are somewhat unique compared with other inherited myopathies, as weakness typically affects all muscles and is often not progressive. Symptoms are: Muscle weakness, most commonly of upper arms and shoulders and thighs, muscle cramps, stiffness and spasms, fatigue with exertion and lack of energy. Our patients all walk on tiptoe, so they show similar symptoms. When we genetically test them with our toe walking panel, we find that around 90 per cent of them have a genetic variant that explains their toe walking. These can be assigned, for example, to the area of myopathies (such as variants of the COL6A3 gene), the area of hereditary neuropathies (such as variants of the KMT2C gene) or the area of metabolic diseases (such as variants of the PYGM gene). In a smaller group of patients with almost identical symptoms, no abnormality is found in the genes of our panel, but spastic paraplegia can be detected. In another small group of our toe walkers, no abnormalities can be detected in the genes analysed in our toe walking panel, nor do they suffer from spastic paraplegia, as is also the case with healthy children. In contrast to these, however, they show a tiptoe gait. These patients suffer from infantile cerebral palsy, in which toe walking can also be observed.

Literature cited by the submitters: PubMed 17576681 (cited by Labcorp Genetics (formerly Invitae), Labcorp); PubMed 9536098 (cited by Labcorp Genetics (formerly Invitae), Labcorp); PubMed 25589632 (cited by Labcorp Genetics (formerly Invitae), Labcorp); PubMed 23975875 (cited by Labcorp Genetics (formerly Invitae), Labcorp); PubMed 37091313 (cited by Practice for Gait Abnormalities, David Pomarino, Competency Network Toe Walking C/o Practice Pomarino).

NM_001267550.2(TTN):c.66463+2dup

Genes: TTN (titin; minus strand), TTN-AS1 (TTN antisense RNA 1; plus strand). Cytogenetic location: 2q31.2.
Variant type: Duplication.
Coding change: c.66463+2dup on transcript NM_001267550.2 (MANE Select); the canonical splice donor site of the intron after coding-DNA position 66463, one base duplicated (T; older notation c.66463+2dupT).
Molecular consequence: splice donor variant.
Genome position (GRCh38, 1-based): chr2:178,581,904, A duplicated on the plus strand (T on the coding strand, the reverse complement: TTN is on the minus strand). VCF-style (leftmost placement, unchanged base first): chr2-178581903-T-TA. GRCh37 (hg19) VCF-style: chr2-179446630-T-TA.
Other names: c.39268+2dup (NM_003319.4); c.39844+2dup (NM_133437.4); c.39643+2dup (NM_133432.3); c.58759+2dup (NM_133378.4); c.61540+2dup (NM_001256850.1).
Identifiers: ClinVar variation 1016946 (VCV001016946.12), dbSNP rs1276825352, ClinGen allele CA538435461.
Genomic context (GRCh38, chr2:178,581,903, plus strand): 5'-TCCTTCCTGGGTGTTTAATGCTGCTTTTAACACAGGATATGGAACTCGTTCATGAACACT[T>TA]ACACTGAGGGTCCCGAGCATAAGCGGCCTTGGATGCGTCACTGGGTTTGCCTGGTCCAGC-3'